The following continues an entry in ClinVar:

NM_000492.4(CFTR):c.2909G>A (p.Gly970Asp)

ClinVar aggregate classification (germline): Pathogenic. Pathogenic (1).

Submissions 11 to 19 of 19:

GeneDx
Classification: Pathogenic. Last evaluated: 2023-09-11. Review status: criteria provided, single submitter. Criteria: GeneDx Variant Classification Process June 2021. Collection method: clinical testing. Allele origin: germline. Affected: yes. Not counted in ClinVar's aggregate classification.
Comment: Published functional studies demonstrate p.G970D is functionally impaired compared to wild type (Wagner et al., 1999); In silico analysis is inconclusive as to whether the variant alters gene splicing. In the absence of RNA/functional studies, the actual effect of this sequence change is unknown.; In silico analysis supports that this missense variant has a deleterious effect on protein structure/function; This variant is associated with the following publications: (PMID: 32020786, 31036917, 35314707, 22483971, 35894192, 36038301, 23302613, 10453741, 28608624, 32429104, 30420730, 33713579, 37477516, 36604502, 35665694, 32539862, 30851139, 32761997, 32777524)

Women's Health and Genetics/Laboratory Corporation of America, LabCorp
Classification: Pathogenic for Cystic fibrosis. Last evaluated: 2022-10-25. Review status: criteria provided, single submitter. Criteria: LabCorp Variant Classification Summary - May 2015. Collection method: clinical testing. Allele origin: germline. Not counted in ClinVar's aggregate classification.
Comment: Variant summary: CFTR c.2909G>A (p.Gly970Asp) results in a non-conservative amino acid change located in the ABC transporter type 1, transmembrane domain (IPR011527) of the encoded protein sequence. Five of five in-silico tools predict a damaging effect of the variant on protein function. The variant allele was found at a frequency of 1.2e-05 in 250920 control chromosomes. c.2909G>A has been reported in the literature as biallelic compound heterozygous genotypes in multiple individuals affected with Cystic Fibrosis (example, Wagner_1999, Li_2012, Goubau_2009, McCague_2019, Tian_2016). These data indicate that the variant is very likely to be associated with disease. At least two publications report experimental evidence evaluating an impact on protein function (example, Wagner_1999, Amato_2019). The most pronounced variant effect results in 5-12% of normal CFTR channel activity and a partial trafficking defect that were both sensitive to potentiator (VX-770, Ivacaftor) or correctors (VX-809, Lumacaftor and VX-661, Tezacaftor). Seven clinical diagnostic laboratories and an expert panel (CFTR2) have submitted clinical-significance assessments for this variant to ClinVar after 2014 without evidence for independent evaluation. All submitters classified the variant as pathogenic/likely pathogenic. Based on the evidence outlined above, the variant was classified as pathogenic.

Institute of Human Genetics, University of Leipzig Medical Center
Classification: Pathogenic for Cystic fibrosis. Last evaluated: 2022-09-05. Review status: criteria provided, single submitter. Criteria: ACMG Guidelines, 2015. Collection method: curation. Allele origin: unknown. Affected: yes. Observed: 1 variant allele. Not counted in ClinVar's aggregate classification.
Comment: The variant was classified in the context of a project re-classifying variants in the German Cystic Fibrosis Registry (Muko.e.V.). Criteria applied: PS3_SUP, PM3_STR, PM2_SUP, PM5_STR, PP3, PP4

Genome Diagnostics Laboratory, The Hospital for Sick Children
Classification: Pathogenic for Cystic fibrosis. Last evaluated: 2022-03-25. Review status: criteria provided, single submitter. Criteria: ACMG Guidelines, 2015. Collection method: clinical testing. Allele origin: germline. Not counted in ClinVar's aggregate classification.

Laboratory for Molecular Medicine, Mass General Brigham Personalized Medicine
Classification: Pathogenic for Cystic fibrosis. Last evaluated: 2020-01-21. Review status: criteria provided, single submitter. Criteria: LMM Criteria. Collection method: clinical testing. Allele origin: germline. Observed: 2 variant alleles. Not counted in ClinVar's aggregate classification.
Comment: The p.Gly970Asp variant in CFTR has been reported in the compound heterozygous state in a least 13 individuals of predominantly Asian ancestry with CFTR-related disorders (10 with cystic fibrosis and 3 with congenital bilateral absence of the vas deferens (CBAVD); Wagner 1999, Wine 2001, Goubau 2009, Li 2012, Tian 2016, Xu 2017, Amato 2019). In at least 10 of these individuals, the second identified variant was pathogenic or likely pathogenic. This variant has also been identified in 0.016% (3/18394) of East Asian chromosomes by gnomAD. However, this frequency is low enough to be consistent with a recessive carrier frequency. In vitro functional studies provide some evidence that this variant impacts protein function (Wagner 1999, Amato 2019) and computational prediction tools and conservation analyses are consistent with pathogenicity. This variant is located in the first base of the exon, which is part of the 3â€™ splice region. Additional computational tools do not predict altered splicing. Additionally, this variant was classified as pathogenic on August 31st, 2018 by the ClinGen-approved CFTR2 expert panel (Variation ID 35854). In summary, this variant meets criteria to be classified as pathogenic for autosomal recessive cystic fibrosis. ACMG/AMP Criteria applied: PM3_Very Strong, PM2, PP3, PS3_Supporting.

Baylor Genetics
Classification: Likely pathogenic for Congenital bilateral aplasia of vas deferens from CFTR mutation; Cystic fibrosis. Review status: criteria provided, single submitter. Criteria: ACMG Guidelines, 2015. Collection method: clinical testing. Allele origin: germline. Not counted in ClinVar's aggregate classification.

Juno Genomics, Hangzhou Juno Genomics, Inc
Classification: Pathogenic for Congenital bilateral aplasia of vas deferens from CFTR mutation; Cystic fibrosis. Review status: criteria provided, single submitter. Criteria: ACMG Guidelines, 2015. Collection method: clinical testing. Allele origin: germline. Affected: yes. Not counted in ClinVar's aggregate classification.
Comment: Absent from controls (or at extremely low frequency if recessive) in Genome Aggregation Database.;Multiple lines of computational evidence support a deleterious effect on the gene or gene product.;For recessive disorders, detected in trans with a pathogenic variant.;Patient's phenotype or family history is highly specific for a disease with a single genetic etiology.

Genome Diagnostics Laboratory, The Hospital for Sick Children
Classification: Pathogenic for CFTR-related disorders. Last evaluated: 2022-03-25. Review status: no assertion criteria provided. Collection method: clinical testing. Allele origin: germline. Not counted in ClinVar's aggregate classification.

Counsyl
Classification: Likely pathogenic for Cystic fibrosis. Last evaluated: 2016-01-29. Review status: no assertion criteria provided. Collection method: clinical testing. Allele origin: unknown. Not counted in ClinVar's aggregate classification.

Literature cited by the submitters: PubMed 28116329 (cited by Natera, Inc.); PubMed 10453741 (cited by 6 submitters); PubMed 22483971 (cited by 5 submitters); PubMed 23302613 (cited by 5 submitters); PubMed 27081564 (cited by 3 submitters); PubMed 28608624 (cited by 4 submitters); PubMed 11158459 (cited by 3 submitters); PubMed 19318346 (cited by 4 submitters); PubMed 25580864 (cited by Ambry Genetics and Counsyl); PubMed 29805046 (cited by Ambry Genetics); PubMed 30420730 (cited by Ambry Genetics and Medical Genetics Center, Maternal and Child Health Hospital of Hubei Province); PubMed 30851139 (cited by 3 submitters); PubMed 30993151 (cited by Ambry Genetics); DOI 10.1002/ppul.23744 (cited by Department of Pediatric Nephrology, Wuhan Children's Hospital); PubMed 15357566 (cited by Women's Health and Genetics/Laboratory Corporation of America, LabCorp); PubMed 16488363 (cited by Women's Health and Genetics/Laboratory Corporation of America, LabCorp); PubMed 12874665 (cited by Women's Health and Genetics/Laboratory Corporation of America, LabCorp); PubMed 30888834 (cited by Women's Health and Genetics/Laboratory Corporation of America, LabCorp); PubMed 26708955 (cited by Counsyl).